The following is an entry in ClinVar:

NM_004371.4(COPA):c.2543A>T (p.Asp848Val)

Gene: COPA (coat protein complex I subunit alpha; minus strand). Cytogenetic location: 1q23.2.
Variant type: single nucleotide variant.
Coding change: c.2543A>T on transcript NM_004371.4 (MANE Select); coding-DNA position 2543, A replaced by T.
Protein change: p.Asp848Val; replaces aspartic acid 848 with valine.
Molecular consequence: missense variant.
Genome position (GRCh38, 1-based): chr1:160,294,791, T>A on the plus strand (A>T on the coding strand, the complement: COPA is on the minus strand). VCF-style: chr1-160294791-T-A. GRCh37 (hg19) VCF-style: chr1-160264581-T-A.
Other names: c.2570A>T, p.Asp857Val (NM_001098398.2); short protein forms D857V, D848V.
Identifiers: ClinVar variation 3008415 (VCV003008415.3), dbSNP rs1412971009, ClinGen allele CA343275905.

ClinVar aggregate classification (germline): Uncertain significance (1 of 4 stars; one submission).

Conditions:
Autoimmune interstitial lung disease-arthritis syndrome. Also called: Autoinflammation and autoimmunity, systemic, with immune dysregulation. Identifiers: Orphanet 444092, MedGen C5975714, MONDO:0014629.

Allele frequency attached by ClinVar (database versions not stated): gnomAD exomes below 0.00001; TOPMed below 0.00001.
gnomAD v4.1: 1 of 1,614,096 alleles (0.000062%); highest among the groups gnomAD compares: African/African-American, 0.0013%; no homozygotes.

Submission:

Labcorp Genetics (formerly Invitae), Labcorp
Classification: Uncertain significance for Autoimmune interstitial lung disease-arthritis syndrome. Last evaluated: 2024-03-19. Review status: criteria provided, single submitter. Criteria: Invitae Variant Classification Sherloc (09022015). Collection method: clinical testing. Allele origin: germline.
Comment: This sequence change replaces aspartic acid, which is acidic and polar, with valine, which is neutral and non-polar, at codon 848 of the COPA protein (p.Asp848Val). This variant is not present in population databases (gnomAD no frequency). This variant has not been reported in the literature in individuals affected with COPA-related conditions. Advanced modeling of protein sequence and biophysical properties (such as structural, functional, and spatial information, amino acid conservation, physicochemical variation, residue mobility, and thermodynamic stability) performed at Invitae indicates that this missense variant is not expected to disrupt COPA protein function with a negative predictive value of 80%. In summary, the available evidence is currently insufficient to determine the role of this variant in disease. Therefore, it has been classified as a Variant of Uncertain Significance.